The following is an entry in ClinVar:

ClinVar aggregate classification (germline): Likely benign. Review status: reviewed by expert panel (3 of 4 stars). 6 submissions from 6 submitters: Likely benign (1). 5 of the submissions do not count toward it. Last evaluated 2022-03-14.

Conditions:
RYR1-related disorder. Also called: RYR1-related disorders; RYR1-related condition. Identifiers: MedGen CN239331.
Malignant hyperthermia of anesthesia. Also called: Anesthesic-triggered malignant hyperthermia. Identifiers: Orphanet 423, MedGen C0024591, MONDO:0018493, HP:0034733.
Centronuclear myopathy (CNM). Also called: Myotubular myopathy; Centronuclear myopathy, congenital. Identifiers: Orphanet 595, MedGen C0175709, MONDO:0018947. Inheritance: All.
Malignant hyperthermia, susceptibility to, 1 (MHS1). Also called: Anesthesia related hyperthermia; Malignant hyperpyrexia; Fulminating hyperpyrexia; Pharmacogenic myopathy; RYR1-Related Malignant Hyperthermia Susceptibility; Malignant hyperthermia suceptibility 1. Identifiers: Orphanet 423, MedGen C2930980, MONDO:0007783, OMIM 145600.
Arthrogryposis multiplex congenita (AMC). Also called: Congenital multiple arthrogryposis; Fibrous ankylosis of multiple joints; Congenital arthromyodysplasia; Myodystrophia fetalis deformans; Otto syndrome; Rocher-Sheldon syndrome. Identifiers: Orphanet 1037, MedGen C5779613, MeSH D001176, MONDO:0015168, HP:0002804.

Allele frequency attached by ClinVar (database versions not stated): gnomAD exomes below 0.00001; TOPMed below 0.00001; ExAC 0.00001; gnomAD 0.00001.
gnomAD v4.1: 6 of 1,614,066 alleles (0.00037%); highest among the groups gnomAD compares: Admixed American, 0.0017%; no homozygotes.

Submissions (6):

ClinGen Malignant Hyperthermia Susceptibility Variant Curation Expert Panel, ClinGen
Classification: Likely benign for Malignant hyperthermia of anesthesia. Last evaluated: 2022-03-14. Review status: reviewed by expert panel. Criteria: RYR1-MHS Interpretation Guidelines V2. Collection method: curation. Allele origin: germline. Inheritance: Autosomal dominant inheritance.
Comment: This pathogenicity assessment is relevant only for malignant hyperthermia susceptibility (MHS) inherited in an autosomal dominant pattern. Variants in RYR1 can also cause other myopathies inherited in an autosomal dominant pattern or in an autosomal recessive pattern. Some of these disorders may predispose individuals to malignant hyperthermia. RYR1 variants may also contribute to a malignant hyperthermia reaction in combination with other genetic and non-genetic factors and the clinician needs to consider such factors in making management decisions. This sequence variant predicts a substitution of arginine with glutamine at codon 1075 of the RYR1 protein, p.(Arg1075Gln). The maximum allele frequency for this variant among the six major gnomAD populations is AMR: 0.000029, a frequency consistent with pathogenicity for MHS. This variant has been reported in an individual with a personal or family history of an MH episode and a positive in vitro contracture test (IVCT) or caffeine halothane contracture test (CHCT) result (if the proband was unavailable for testing, a positive diagnostic test result in a mutation-positive relative was counted), PS4_Supporting (PMID:30236257). One relative was shown to be heterozygous for the variant and IVCT negative, BS2_Moderate was implemented (PMID: 19454545). No functional studies were identified for this variant. This variant does not reside in a hotspot for pathogenic variants that contribute to MHS. A REVEL score of 0.846 supports neither a pathogenic nor a benign status for this variant. Based on using Bayes to combine criteria this variant is assessed as Likely Benign, (PMID: 29300386). Criteria implemented: PS4_Supporting, BS2_Moderate.

Labcorp Genetics (formerly Invitae), Labcorp
Classification: Pathogenic for RYR1-related disorder. Last evaluated: 2025-08-18. Review status: criteria provided, single submitter. Criteria: Invitae Variant Classification Sherloc (09022015). Collection method: clinical testing. Allele origin: germline. Not counted in ClinVar's aggregate classification.
Comment: This sequence change replaces arginine, which is basic and polar, with glutamine, which is neutral and polar, at codon 1075 of the RYR1 protein (p.Arg1075Gln). This variant is present in population databases (rs749040743, gnomAD 0.003%). This missense change has been observed in individual(s) with autosomal recessive centronuclear myopathy (PMID: 28818389). In at least one individual the data is consistent with being in trans (on the opposite chromosome) from a pathogenic variant. ClinVar contains an entry for this variant (Variation ID: 433176). Invitae Evidence Modeling of protein sequence and biophysical properties (such as structural, functional, and spatial information, amino acid conservation, physicochemical variation, residue mobility, and thermodynamic stability) indicates that this missense variant is expected to disrupt RYR1 protein function with a positive predictive value of 95%. This variant disrupts the p.Arg1075 amino acid residue in RYR1. Other variant(s) that disrupt this residue have been determined to be pathogenic (PMID: 23826317; internal data). This suggests that this residue is clinically significant, and that variants that disrupt this residue are likely to be disease-causing. For these reasons, this variant has been classified as Pathogenic.

All of Us Research Program, National Institutes of Health
Classification: Uncertain significance for Malignant hyperthermia, susceptibility to, 1. Last evaluated: 2024-07-20. Review status: criteria provided, single submitter. Criteria: ACMG Guidelines, 2015. Collection method: clinical testing. Allele origin: germline. Inheritance: Autosomal dominant inheritance. Observed: 3 variant alleles, 3 heterozygotes. Not counted in ClinVar's aggregate classification.
Comment: This missense variant replaces arginine with glutamine at codon 1075 of the RYR1 protein. Computational prediction suggests that this variant may have deleterious impact on protein structure and function (internally defined REVEL score threshold >= 0.7, PMID: 27666373). To our knowledge, functional studies have not been reported for this variant. This variant has been reported in a family affected with malignant hyperthermia susceptibility, in two affected individuals and one unaffected individual (PMID: 19454545, 30236257). This variant has also been associated with other phenotypes (ClinVar Variation ID: 433176, PMID: 28818389). This variant has been identified in 1/251480 chromosomes in the general population by the Genome Aggregation Database (gnomAD). Due to insufficient evidence, this variant is classified as a Variant of Uncertain Significance for autosomal dominant malignant hyperthermia.

This study involves interpretation of variants in research participants for the purpose of population health screening. Participant phenotype was not available at the time of variant classification. Additional details can be found in publication PMID: 35346344, PMCID: PMC8962531

GeneDx
Classification: Likely pathogenic. Last evaluated: 2024-06-25. Review status: criteria provided, single submitter. Criteria: GeneDx Variant Classification Process June 2021. Collection method: clinical testing. Allele origin: germline. Affected: yes. Not counted in ClinVar's aggregate classification.
Comment: Reported in at least one family in which the variant was seen in two individuals with malignant hyperthermia susceptibility and in one unaffected individual, but detailed clinical and segregation information were not provided (PMID: 30236257, 19454545); Not observed at significant frequency in large population cohorts (gnomAD); In silico analysis supports that this missense variant has a deleterious effect on protein structure/function; This variant is associated with the following publications: (PMID: 28818389, 23826317, 34515413, 19454545, 30236257)

Muscle and Diseases Team, Institut de Génétique et Biologie Moléculaire et Cellulaire
Classification: Likely pathogenic for Centronuclear myopathy. Last evaluated: 2024-03-01. Review status: criteria provided, single submitter. Criteria: ACMG Guidelines, 2015. Collection method: research. Allele origin: unknown. Affected: yes. Observed: 1 variant allele. Not counted in ClinVar's aggregate classification.
Comment: PM2+PM5+PP1+PP2+PP3

Center of Genomic medicine, Geneva, University Hospital of Geneva
Classification: Likely pathogenic for Arthrogryposis multiplex congenita. Last evaluated: 2017-05-16. Review status: criteria provided, single submitter. Criteria: ACMG Guidelines, 2015. Collection method: clinical testing. Allele origin: maternal. Affected: yes. Not counted in ClinVar's aggregate classification.

Literature cited by the submitters: PubMed 28818389 (cited by 3 submitters); PubMed 23826317 (cited by Labcorp Genetics (formerly Invitae), Labcorp); PubMed 19454545 (cited by All of Us Research Program, National Institutes of Health); PubMed 30236257 (cited by All of Us Research Program, National Institutes of Health); DOI 10.1186/s13073-024-01353-0 (cited by Muscle and Diseases Team, Institut de Génétique et Biologie Moléculaire et Cellulaire).

NM_000540.3(RYR1):c.3224G>A (p.Arg1075Gln)

Gene: RYR1 (ryanodine receptor 1; plus strand). Cytogenetic location: 19q13.2.
Variant type: single nucleotide variant.
Coding change: c.3224G>A on transcript NM_000540.3 (MANE Select); coding-DNA position 3224, G replaced by A.
Protein change: p.Arg1075Gln; replaces arginine 1075 with glutamine.
Molecular consequence: missense variant.
Genome position (GRCh38, 1-based): chr19:38,467,655, G>A. VCF-style: chr19-38467655-G-A. GRCh37 (hg19) VCF-style: chr19-38958295-G-A.
Other names: NM_000540.2(RYR1):c.3224G>A; p.Arg1075Gln; c.3224G>A, p.Arg1075Gln (NM_001042723.2); short protein forms R1075Q.
Identifiers: ClinVar variation 433176 (VCV000433176.13), dbSNP rs749040743, ClinGen allele CA064575.
Genomic context (GRCh38, chr19:38,467,655, plus strand): 5'-TGGCCTCATTTATAGGTCAGGTGGAGAACCAGTCTCGTTGTGACCGGGTGCGCATCTTCC[G>A]GGCAGAGAAATCCTATACAGTGCAGAGCGGCCGCTGGTACTTCGAGTTTGAAGCAGTCAC-3'
Protein context (NP_000531.2, residues 1065-1085): QSRCDRVRIF[Arg1075Gln]AEKSYTVQSG